The following is an entry in ClinVar:

ClinVar aggregate classification (germline): Likely pathogenic (1 of 4 stars; one submission).

Submission:

GeneDx
Classification: Likely pathogenic. Last evaluated: 2025-08-14. Review status: criteria provided, single submitter. Criteria: GeneDx Variant Classification Process June 2021. Collection method: clinical testing. Allele origin: germline. Affected: yes.
Comment: Not observed at significant frequency in large population cohorts (gnomAD); In-frame deletion of 4 amino acids and insertion of 7 amino acids in a non-repeat region; In silico analysis supports a deleterious effect on protein structure/function; Has not been previously published as pathogenic or benign to our knowledge

NM_001183.6(ATP6AP1):c.953_963delinsACATTCAAGTGACAGGACTC (p.Gly318_Val321delinsAspIleGlnValThrGlyLeu)

Gene: ATP6AP1 (ATPase H+ transporting accessory protein 1; plus strand). Cytogenetic location: Xq28.
Variant type: Indel.
Coding change: c.953_963delinsACATTCAAGTGACAGGACTC on transcript NM_001183.6 (MANE Select); coding-DNA positions 953 to 963, GTACCACAGTG replaced by ACATTCAAGTGACAGGACTC.
Protein change: p.Gly318_Val321delinsAspIleGlnValThrGlyLeu.
Molecular consequence: inframe indel.
Genome position (GRCh38, 1-based): chrX:154,435,168-154,435,178, GTACCACAGTG replaced by ACATTCAAGTGACAGGACTC. VCF-style: chrX-154435168-GTACCACAGTG-ACATTCAAGTGACAGGACTC. GRCh37 (hg19) VCF-style: chrX-153663514-GTACCACAGTG-ACATTCAAGTGACAGGACTC.
Identifiers: ClinVar variation 1254051 (VCV001254051.5), dbSNP rs2148224789, ClinGen allele CA2499226507.
Genomic context (GRCh38, chrX:154,435,168, plus strand): 5'-TCACAGTGCGCCTCTTTCTCTGGCCCCACAGGCTCTCACTGACCTATGAACGACTCTTTG[GTACCACAGTG>ACATTCAAGTGACAGGACTC]ACATTCAAGTGAGTCCTGGGGGTGGTTGAGGTATGGGTGGGCTGGTGTGGCCCCAGCCTC-3'